The following is an entry in ClinVar:

ClinVar aggregate classification (germline): Uncertain significance (1 of 4 stars; one submission).

Conditions:
Kleefstra syndrome 1 (KLEFS1). Identifiers: Orphanet 261494, MedGen C0795833, MONDO:0027407, OMIM 610253.

Allele frequency attached by ClinVar (database versions not stated): ExAC 0.00002; gnomAD exomes 0.00001 and 0.00002; gnomAD 0.00002; TOPMed 0.00001.
gnomAD v4.1: 15 of 1,611,310 alleles (0.00093%); highest among the groups gnomAD compares: Non-Finnish European, 0.0013%; no homozygotes.

Submission:

Labcorp Genetics (formerly Invitae), Labcorp
Classification: Uncertain significance for Kleefstra syndrome 1. Last evaluated: 2025-10-08. Review status: criteria provided, single submitter. Criteria: Invitae Variant Classification Sherloc (09022015). Collection method: clinical testing. Allele origin: germline.
Comment: This sequence change replaces glycine, which is neutral and non-polar, with arginine, which is basic and polar, at codon 182 of the EHMT1 protein (p.Gly182Arg). This variant is present in population databases (rs745866611, gnomAD 0.003%). This variant has not been reported in the literature in individuals affected with EHMT1-related conditions. ClinVar contains an entry for this variant (Variation ID: 1426738). An algorithm developed to predict the effect of missense changes on protein structure and function (PolyPhen-2) suggests that this variant is likely to be disruptive. In summary, the available evidence is currently insufficient to determine the role of this variant in disease. Therefore, it has been classified as a Variant of Uncertain Significance.

NM_024757.5(EHMT1):c.544G>A (p.Gly182Arg)

Gene: EHMT1 (euchromatic histone lysine methyltransferase 1; plus strand). Cytogenetic location: 9q34.3.
Variant type: single nucleotide variant.
Coding change: c.544G>A on transcript NM_024757.5 (MANE Select); coding-DNA position 544, G replaced by A.
Protein change: p.Gly182Arg; replaces glycine 182 with arginine.
Molecular consequence: missense variant.
Genome position (GRCh38, 1-based): chr9:137,717,084, G>A. VCF-style: chr9-137717084-G-A. GRCh37 (hg19) VCF-style: chr9-140611536-G-A.
Other names: c.544G>A, p.Gly182Arg (NM_001145527.2, NM_001354263.2, NM_001354611.2); c.451G>A, p.Gly151Arg (NM_001354259.2, NM_001354612.2); short protein forms G151R, G182R.
Identifiers: ClinVar variation 1426738 (VCV001426738.6), dbSNP rs745866611, ClinGen allele CA5374342.